The following is an entry in ClinVar:

NM_001114753.3(ENG):c.641G>T (p.Gly214Val)

Gene: ENG (endoglin; minus strand). Cytogenetic location: 9q34.11.
Variant type: single nucleotide variant.
Coding change: c.641G>T on transcript NM_001114753.3 (MANE Select); coding-DNA position 641, G replaced by T.
Protein change: p.Gly214Val; replaces glycine 214 with valine.
Molecular consequence: missense variant.
Genome position (GRCh38, 1-based): chr9:127,825,743, C>A on the plus strand (G>T on the coding strand, the complement: ENG is on the minus strand). VCF-style: chr9-127825743-C-A. GRCh37 (hg19) VCF-style: chr9-130588022-C-A.
Other names: c.641G>T, p.Gly214Val (NM_000118.4, NM_001406715.1); c.95G>T, p.Gly32Val (NM_001278138.2); short protein forms G32V, G214V.
Identifiers: ClinVar variation 5035958 (VCV005035958.1).

ClinVar aggregate classification (germline): Uncertain significance (1 of 4 stars; one submission).

Conditions:
Cardiovascular phenotype. Identifiers: MedGen CN230736.

Submission:

Ambry Genetics
Classification: Uncertain significance for Cardiovascular phenotype. Last evaluated: 2026-07-07. Review status: criteria provided, single submitter. Criteria: Ambry Variant Classification Scheme 2023. Collection method: clinical testing. Allele origin: germline.
Comment: The p.G214V variant (also known as c.641G>T), located in coding exon 5 of the ENG gene, results from a G to T substitution at nucleotide position 641. The glycine at codon 214 is replaced by valine, an amino acid with dissimilar properties. This amino acid position is conserved. In addition, the in silico prediction for this alteration is inconclusive. Based on the available evidence, the clinical significance of this variant remains unclear.